The following is an entry in ClinVar:

ClinVar aggregate classification (germline): Uncertain significance (1 of 4 stars; one submission).

Submission:

Labcorp Genetics (formerly Invitae), Labcorp
Classification: Uncertain significance. Last evaluated: 2022-08-23. Review status: criteria provided, single submitter. Criteria: Invitae Variant Classification Sherloc (09022015). Collection method: clinical testing. Allele origin: germline.
Comment: This sequence change replaces tryptophan, which is neutral and slightly polar, with glycine, which is neutral and non-polar, at codon 918 of the ABCC6 protein (p.Trp918Gly). This variant is not present in population databases (gnomAD no frequency). This variant has not been reported in the literature in individuals affected with ABCC6-related conditions. Advanced modeling of protein sequence and biophysical properties (such as structural, functional, and spatial information, amino acid conservation, physicochemical variation, residue mobility, and thermodynamic stability) performed at Invitae indicates that this missense variant is not expected to disrupt ABCC6 protein function. In summary, the available evidence is currently insufficient to determine the role of this variant in disease. Therefore, it has been classified as a Variant of Uncertain Significance.

NM_001171.6(ABCC6):c.2752T>G (p.Trp918Gly)

Gene: ABCC6 (ATP binding cassette subfamily C member 6; minus strand). Cytogenetic location: 16p13.11.
Variant type: single nucleotide variant.
Coding change: c.2752T>G on transcript NM_001171.6 (MANE Select); coding-DNA position 2752, T replaced by G.
Protein change: p.Trp918Gly; replaces tryptophan 918 with glycine.
Molecular consequence: missense variant. On other transcripts: non-coding transcript variant (1).
Genome position (GRCh38, 1-based): chr16:16,173,319, A>C on the plus strand (T>G on the coding strand, the complement: ABCC6 is on the minus strand). VCF-style: chr16-16173319-A-C. GRCh37 (hg19) VCF-style: chr16-16267176-A-C.
Other names: c.2410T>G, p.Trp804Gly (NM_001351800.1); short protein forms W918G, W804G.
Identifiers: ClinVar variation 1940127 (VCV001940127.5), dbSNP rs1212430516, ClinGen allele CA394885863.
Genomic context (GRCh38, chr16:16,173,319, plus strand): 5'-AGGGGTGGGTGAAGCTGGTGGTTACCCTGCCGTATTGGATGCTGTCCTTTCCTGCTGGCC[A>C]TCCTGCCCTGTCAGGGTCATCCAGAGGAACCTCTGTCTGGGCTTCTGAAGTGGTACGGTC-3'
Protein context (NP_001162.5, residues 908-928): VPLDDPDRAG[Trp918Gly]PAGKDSIQYG